The following is an entry in ClinVar:

ClinVar aggregate classification (germline): Conflicting classifications of pathogenicity. Review status: criteria provided, conflicting classifications (1 of 4 stars). 13 submissions from 12 submitters: Uncertain significance (6); Benign (1); Likely benign (6). Last evaluated 2026-02-09.

Conditions:
HSPB1-related disorder. Also called: HSPB1-related condition; HSPB1-related disorders.
Inborn genetic diseases. Identifiers: MedGen C0950123, MeSH D030342.
Charcot-Marie-Tooth disease. Also called: Charcot-Marie-Tooth Hereditary Neuropathy; Charcot-Marie-Tooth Neuropathy. Identifiers: Orphanet 166, MedGen C0007959, MONDO:0015626.
Neuronopathy, distal hereditary motor, type 2B. Also called: NEURONOPATHY, DISTAL HEREDITARY MOTOR, AUTOSOMAL DOMINANT 3; NEURONOPATHY, DISTAL HEREDITARY MOTOR, HARDING TYPE IIB; NEUROPATHY, DISTAL HEREDITARY MOTOR, HARDING TYPE IIB; HMN IIB. Identifiers: Orphanet 139525, MedGen C2608087, MONDO:0012080, OMIM 608634.
Charcot-Marie-Tooth disease axonal type 2F (CMT2F). Also called: CHARCOT-MARIE-TOOTH DISEASE, NEURONAL, TYPE 2F; Charcot-Marie-Tooth Neuropathy Type 2F. Identifiers: Orphanet 99940, MedGen C1847823, MONDO:0011687, OMIM 606595.

Allele frequency attached by ClinVar (database versions not stated): TOPMed 0.00011; ExAC 0.00020; ESP Exome Variant Server 0.00031.

Submissions (13):

PreventionGenetics, part of Exact Sciences
Classification: Likely benign for HSPB1-related condition. Last evaluated: 2026-02-09. Review status: criteria provided, single submitter. Criteria: ACMG Guidelines, 2015. Collection method: clinical testing. Allele origin: germline.
Comment: This variant is classified as likely benign based on ACMG/AMP sequence variant interpretation guidelines (Richards et al. 2015 PMID: 25741868, with internal and published modifications).

Labcorp Genetics (formerly Invitae), Labcorp
Classification: Uncertain significance for Charcot-Marie-Tooth disease axonal type 2F. Last evaluated: 2025-12-03. Review status: criteria provided, single submitter. Criteria: Invitae Variant Classification Sherloc (09022015). Collection method: clinical testing. Allele origin: germline.
Comment: This sequence change replaces alanine, which is neutral and non-polar, with threonine, which is neutral and polar, at codon 204 of the HSPB1 protein (p.Ala204Thr). This variant is present in population databases (rs367857772, gnomAD 0.03%). This missense change has been observed in individual(s) with suspected Charcot-Marie-Tooth disease (PMID: 32376792). ClinVar contains an entry for this variant (Variation ID: 216545). Invitae Evidence Modeling of protein sequence and biophysical properties (such as structural, functional, and spatial information, amino acid conservation, physicochemical variation, residue mobility, and thermodynamic stability) indicates that this missense variant is not expected to disrupt HSPB1 protein function with a negative predictive value of 95%. In summary, the available evidence is currently insufficient to determine the role of this variant in disease. Therefore, it has been classified as a Variant of Uncertain Significance.

Women's Health and Genetics/Laboratory Corporation of America, LabCorp
Classification: Likely benign. Last evaluated: 2025-05-06. Review status: criteria provided, single submitter. Criteria: LabCorp Variant Classification Summary - May 2015. Collection method: clinical testing. Allele origin: germline.
Comment: Variant summary: HSPB1 c.610G>A (p.Ala204Thr) results in a non-conservative amino acid change in the encoded protein sequence. Algorithms developed to predict the effect of missense changes on protein structure and function are either unavailable or do not agree on the potential impact of this missense change. The variant allele was found at a frequency of 0.00014 in 238702 control chromosomes. The observed variant frequency is approximately 140 fold of the estimated maximal expected allele frequency for a pathogenic variant in HSPB1 causing Charcot-Marie-Tooth disease axonal type 2F phenotype (1e-06). c.610G>A has been observed in individual(s) suspected with Charcot-Marie-Tooth disease axonal type 2F (Voodarsky_2021). These report(s) do not provide unequivocal conclusions about association of the variant with Charcot-Marie-Tooth disease axonal type 2F. To our knowledge, no experimental evidence demonstrating an impact on protein function has been reported. The following publication have been ascertained in the context of this evaluation (PMID: 32376792). ClinVar contains an entry for this variant (Variation ID: 216545). Based on the evidence outlined above, the variant was classified as likely benign.

Laboratory of Genetics, Children's Clinical University Hospital Latvia
Classification: Likely benign. Last evaluated: 2025-02-16. Review status: criteria provided, single submitter. Criteria: ACMG Guidelines, 2015. Collection method: clinical testing. Allele origin: germline. Affected: yes.

CeGaT Center for Human Genetics Tuebingen
Classification: Uncertain significance. Last evaluated: 2024-10-01. Review status: criteria provided, single submitter. Criteria: CeGaT Center For Human Genetics Tuebingen Variant Classification Criteria Version 2. Collection method: clinical testing. Allele origin: germline. Affected: yes. Observed: 3 variant alleles.

Mayo Clinic Laboratories, Mayo Clinic
Classification: Likely benign. Last evaluated: 2024-05-28. Review status: criteria provided, single submitter. Criteria: ACMG Guidelines, 2015. Collection method: clinical testing. Allele origin: germline. Observed: 3 variant alleles.
Comment: BP4

Department of Pathology and Laboratory Medicine, Sinai Health System
Classification: Uncertain significance for Charcot-Marie-Tooth disease axonal type 2F; Neuronopathy, distal hereditary motor, type 2B. Last evaluated: 2021-12-13. Review status: criteria provided, single submitter. Criteria: ACMG Guidelines, 2015. Collection method: research. Allele origin: germline.

Ambry Genetics
Classification: Likely benign for Inborn genetic diseases. Last evaluated: 2019-11-07. Review status: criteria provided, single submitter. Criteria: Ambry Variant Classification Scheme 2023. Collection method: clinical testing. Allele origin: germline.

GeneDx
Classification: Likely benign. Last evaluated: 2018-12-13. Review status: criteria provided, single submitter. Criteria: GeneDx Variant Classification Process June 2021. Collection method: clinical testing. Allele origin: germline. Affected: yes.
Comment: This variant is associated with the following publications: (PMID: 32376792)

Fulgent Genetics
Classification: Uncertain significance for Charcot-Marie-Tooth disease axonal type 2F; Neuronopathy, distal hereditary motor, type 2B. Last evaluated: 2018-10-31. Review status: criteria provided, single submitter. Criteria: ACMG Guidelines, 2015. Collection method: clinical testing. Allele origin: unknown.

Illumina Laboratory Services, Illumina
Classification: Benign for Neuronopathy, distal hereditary motor, type 2B. Last evaluated: 2017-07-24. Review status: criteria provided, single submitter. Criteria: ICSL Variant Classification Criteria 13 December 2019. Collection method: clinical testing. Allele origin: germline.
Comment: This variant was observed as part of a predisposition screen in an ostensibly healthy population. A literature search was performed for the gene, cDNA change, and amino acid change (where applicable). No publications were found based on this search. Allele frequency data from public databases was too high to be consistent with this variant causing disease. Therefore, this variant is classified as benign.

Illumina Laboratory Services, Illumina
Classification: Uncertain significance for Charcot-Marie-Tooth disease axonal type 2F. Last evaluated: 2017-04-27. Review status: criteria provided, single submitter. Criteria: ICSL Variant Classification Criteria 13 December 2019. Collection method: clinical testing. Allele origin: germline.

Molecular Genetics Laboratory, London Health Sciences Centre
Classification: Uncertain significance for Charcot-Marie-Tooth disease. Review status: criteria provided, single submitter. Criteria: ACMG Guidelines, 2015. Collection method: clinical testing. Allele origin: germline. Affected: yes.

Literature cited by the submitters: PubMed 32376792 (cited by 3 submitters).

NM_001540.5(HSPB1):c.610G>A (p.Ala204Thr)

Gene: HSPB1 (heat shock protein family B (small) member 1; plus strand). Cytogenetic location: 7q11.23.
Variant type: single nucleotide variant.
Coding change: c.610G>A on transcript NM_001540.5 (MANE Select); coding-DNA position 610, G replaced by A.
Protein change: p.Ala204Thr; replaces alanine 204 with threonine.
Molecular consequence: missense variant.
Genome position (GRCh38, 1-based): chr7:76,304,165, G>A. VCF-style: chr7-76304165-G-A. GRCh37 (hg19) VCF-style: chr7-75933482-G-A.
Other names: p.Ala204Thr; c.610G>A (LRG_248t1); short protein forms A204T.
Identifiers: ClinVar variation 216545 (VCV000216545.59), dbSNP rs367857772, ClinGen allele CA337796.